The following is an entry in ClinVar:

NM_004260.4(RECQL4):c.1222C>T (p.Gln408Ter)

Gene: RECQL4 (RecQ like helicase 4; minus strand). Cytogenetic location: 8q24.3.
Variant type: single nucleotide variant.
Coding change: c.1222C>T on transcript NM_004260.4 (MANE Select); coding-DNA position 1222, C replaced by T.
Protein change: p.Gln408Ter; replaces glutamine 408 with a stop codon.
Molecular consequence: nonsense. On other transcripts: missense variant (5), non-coding transcript variant (3), intron variant (1).
Genome position (GRCh38, 1-based): chr8:144,515,800, G>A on the plus strand (C>T on the coding strand, the complement: RECQL4 is on the minus strand). VCF-style: chr8-144515800-G-A. GRCh37 (hg19) VCF-style: chr8-145741184-G-A.
Other names: c.1126C>T, p.Gln376Ter (NM_001413017.1, NM_001413020.1); c.1222C>T, p.Gln408Ter (NM_001413018.1, NM_001413019.1, NM_001413033.1 and 2 more transcripts); c.151C>T, p.Gln51Ter (NM_001413021.1, NM_001413022.1, NM_001413023.1 and 8 more transcripts); c.1093C>T, p.Gln365Ter (NM_001413025.1); c.89C>T, p.Ala30Val (NM_001413027.1, NM_001413030.1, NM_001413031.1 and 2 more transcripts); c.871C>T, p.Gln291Ter (NM_001413029.1); c.-210+188C>T (NM_001413043.1); short protein forms A30V, Q291*, Q365*, Q376*, Q408*, Q51*.
Identifiers: ClinVar variation 3620480 (VCV003620480.2).

ClinVar aggregate classification (germline): Pathogenic (1 of 4 stars; one submission).

Conditions:
Baller-Gerold syndrome (BGS). Also called: CRANIOSYNOSTOSIS WITH RADIAL DEFECTS. Identifiers: Orphanet 1225, MedGen C0265308, MONDO:0009039, OMIM 218600.

Submission:

Labcorp Genetics (formerly Invitae), Labcorp
Classification: Pathogenic for Baller-Gerold syndrome. Last evaluated: 2024-07-30. Review status: criteria provided, single submitter. Criteria: Invitae Variant Classification Sherloc (09022015). Collection method: clinical testing. Allele origin: germline.
Comment: This sequence change creates a premature translational stop signal (p.Gln408*) in the RECQL4 gene. It is expected to result in an absent or disrupted protein product. Loss-of-function variants in RECQL4 are known to be pathogenic (PMID: 12734318, 12952869). This variant is not present in population databases (gnomAD no frequency). This premature translational stop signal has been observed in individual(s) with clinical features of Rothmund-Thomson syndrome (PMID: 27247962). Algorithms developed to predict the effect of sequence changes on RNA splicing suggest that this variant may disrupt the consensus splice site. For these reasons, this variant has been classified as Pathogenic.

Literature cited by the submitters: PubMed 12734318; PubMed 12952869; PubMed 27247962.